The following is an entry in ClinVar:

NM_001130009.3(GEN1):c.2205_2206del (p.Lys736fs)

Gene: GEN1 (GEN1 structure-specific endonuclease; plus strand). Cytogenetic location: 2p24.2.
Variant type: Deletion.
Coding change: c.2205_2206del on transcript NM_001130009.3 (MANE Select); coding-DNA positions 2205 to 2206, 2 bases deleted (TA; older notation c.2205_2206delTA).
Protein change: p.Lys736fs; shifts the reading frame from lysine 736.
Molecular consequence: frameshift variant.
Genome position (GRCh38, 1-based): chr2:17,781,417-17,781,418, TA deleted. VCF-style (leftmost placement, unchanged base first): chr2-17781416-CTA-C. GRCh37 (hg19) VCF-style: chr2-17962683-CTA-C.
Other names: c.2205_2206del, p.Lys736fs (NM_182625.5); short protein forms K736fs.
Identifiers: ClinVar variation 3019903 (VCV003019903.3), dbSNP rs1230641037, ClinGen allele CA531315157.
Genomic context (GRCh38, chr2:17,781,416, plus strand): 5'-GTACATCACATCTTTCAAAGGATCTTCCAGGAATTCCCTTGCAAAATGAATCCAGAGACT[CTA>C]AAATTCTAAAAGGAGACCAGCTGCTTCAAGAAGACTATAAAGTCAATACTTCTGTCCCTT-3'

ClinVar aggregate classification (germline): Uncertain significance (1 of 4 stars; one submission).

Allele frequency attached by ClinVar (database versions not stated): gnomAD 0.00001.

Submission:

Labcorp Genetics (formerly Invitae), Labcorp
Classification: Uncertain significance. Last evaluated: 2023-11-30. Review status: criteria provided, single submitter. Criteria: Invitae Variant Classification Sherloc (09022015). Collection method: clinical testing. Allele origin: germline.
Comment: This sequence change creates a premature translational stop signal (p.Lys736Asnfs*13) in the GEN1 gene. While this is not anticipated to result in nonsense mediated decay, it is expected to disrupt the last 173 amino acid(s) of the GEN1 protein. This variant is present in population databases (no rsID available, gnomAD 0.01%). This variant has not been reported in the literature in individuals affected with GEN1-related conditions. In summary, the available evidence is currently insufficient to determine the role of this variant in disease. Therefore, it has been classified as a Variant of Uncertain Significance.